The following is an entry in ClinVar:

ClinVar aggregate classification (germline): Uncertain significance (1 of 4 stars; one submission).

Submission:

Cytogenetics Laboratory, University of Washington
Classification: Uncertain significance. Last evaluated: 2015-07-28. Review status: criteria provided, single submitter. Criteria: UW Cytogenetics and Genomics Laboratory Policy on CNV Interpretation (5/6/2015). Collection method: clinical testing. Allele origin: unknown. Affected: yes. Observed: 1 variant allele.

Literature cited by the submitters: PubMed 19204725; PubMed 11038444; PubMed 11745996; PubMed 18696223; PubMed 21700882; PubMed 24757835; PubMed 23835509; PubMed 19636047; PubMed 16769863; PubMed 24694762; PubMed 23164820; PubMed 20876472.

GRCh37/hg19 6q26(chr6:162780748-163001030)x1

Gene: PRKN (parkin RBR E3 ubiquitin protein ligase; minus strand). Cytogenetic location: 6q26.
Variant type: copy number loss.
Change: copy number 1 (one copy instead of two) of chr6:162,780,748-163,001,030 (220.3 kb, GRCh37 coordinates, 1-based), cytogenetic band 6q26.
Identifiers: ClinVar variation 219028 (VCV000219028.5).